The following is an entry in ClinVar:

NM_004168.4(SDHA):c.1465G>C (p.Gly489Arg)

Gene: SDHA (succinate dehydrogenase complex flavoprotein subunit A; plus strand). Cytogenetic location: 5p15.33.
Variant type: single nucleotide variant.
Coding change: c.1465G>C on transcript NM_004168.4 (MANE Select); coding-DNA position 1465, G replaced by C.
Protein change: p.Gly489Arg; replaces glycine 489 with arginine.
Molecular consequence: missense variant.
Genome position (GRCh38, 1-based): chr5:240,390, G>C. VCF-style: chr5-240390-G-C. GRCh37 (hg19) VCF-style: chr5-240505-G-C.
Other names: c.1321G>C, p.Gly441Arg (NM_001294332.2); c.1465G>C, p.Gly489Arg (NM_001330758.2); short protein forms G489R, G441R.
Identifiers: ClinVar variation 5029181 (VCV005029181.1).

ClinVar aggregate classification (germline): Uncertain significance (1 of 4 stars; one submission).

Conditions:
Hereditary cancer-predisposing syndrome. Also called: Neoplastic Syndromes, Hereditary; Tumor predisposition; Hereditary neoplastic syndrome; Hereditary Cancer Syndrome. Identifiers: Orphanet 140162, MedGen C0027672, MeSH D009386, MONDO:0015356.

Submission:

Ambry Genetics
Classification: Uncertain significance for Hereditary cancer-predisposing syndrome. Last evaluated: 2026-06-24. Review status: criteria provided, single submitter. Criteria: Ambry Variant Classification Scheme 2023. Collection method: clinical testing. Allele origin: germline.
Comment: The p.G489R variant (also known as c.1465G>C), located in coding exon 11 of the SDHA gene, results from a G to C substitution at nucleotide position 1465. The glycine at codon 489 is replaced by arginine, an amino acid with dissimilar properties. This amino acid position is conserved. In addition, this alteration is predicted to be deleterious by in silico analysis. Based on the available evidence, the clinical significance of this variant remains unclear.